The following is an entry in ClinVar:

ClinVar aggregate classification (germline): Uncertain significance (1 of 4 stars; one submission).

Conditions:
Charcot-Marie-Tooth disease dominant intermediate B (CMTDIB). Also called: CHARCOT-MARIE-TOOTH NEUROPATHY, DOMINANT INTERMEDIATE B; Charcot-Marie-Tooth disease dominant intermediate 1; CMT DI1; Charcot-Marie-Tooth disease dominant intermediate I. Identifiers: Orphanet 100044, Orphanet 228179, MedGen C1847902, MONDO:0011674, OMIM 606482.

Allele frequency attached by ClinVar (database versions not stated): gnomAD exomes 0.00001.
gnomAD v4.1: 11 of 1,614,160 alleles (0.00068%); highest among the groups gnomAD compares: South Asian, 0.0011%; no homozygotes.

Submission:

Labcorp Genetics (formerly Invitae), Labcorp
Classification: Uncertain significance for Charcot-Marie-Tooth disease dominant intermediate B. Last evaluated: 2022-03-26. Review status: criteria provided, single submitter. Criteria: Invitae Variant Classification Sherloc (09022015). Collection method: clinical testing. Allele origin: germline.
Comment: This sequence change replaces glutamic acid, which is acidic and polar, with aspartic acid, which is acidic and polar, at codon 387 of the DNM2 protein (p.Glu387Asp). This variant is not present in population databases (gnomAD no frequency). In summary, the available evidence is currently insufficient to determine the role of this variant in disease. Therefore, it has been classified as a Variant of Uncertain Significance. Algorithms developed to predict the effect of missense changes on protein structure and function are either unavailable or do not agree on the potential impact of this missense change (SIFT: "Tolerated"; PolyPhen-2: "Possibly Damaging"; Align-GVGD: "Class C0"). ClinVar contains an entry for this variant (Variation ID: 962785). This variant has not been reported in the literature in individuals affected with DNM2-related conditions.

NM_001005361.3(DNM2):c.1161G>T (p.Glu387Asp)

Gene: DNM2 (dynamin 2; plus strand). Cytogenetic location: 19p13.2.
Variant type: single nucleotide variant.
Coding change: c.1161G>T on transcript NM_001005361.3 (MANE Select); coding-DNA position 1161, G replaced by T.
Protein change: p.Glu387Asp; replaces glutamic acid 387 with aspartic acid.
Molecular consequence: missense variant.
Genome position (GRCh38, 1-based): chr19:10,795,404, G>T. VCF-style: chr19-10795404-G-T. GRCh37 (hg19) VCF-style: chr19-10906080-G-T.
Other names: c.1161G>T, p.Glu387Asp (NM_001005360.3, NM_001005362.3, NM_001190716.2 and 1 more transcripts); short protein forms E387D.
Identifiers: ClinVar variation 962785 (VCV000962785.10), dbSNP rs2071897159, ClinGen allele CA404048397.
Genomic context (GRCh38, chr19:10,795,404, plus strand): 5'-TGCATGTGCTTGGTTTGTCTCTTCTCAGATGGAGTTTGACGAGAAGGACTTACGACGGGA[G>T]ATCAGCTATGCCATTAAGAACATCCATGGAGTCAGGCAAGTTCCACGAGGAGAGTCACCA-3'
Protein context (NP_001005361.1, residues 377-397): MEFDEKDLRR[Glu387Asp]ISYAIKNIHG